The following is an entry in ClinVar:

NM_001375808.2(LPIN2):c.2265C>T (p.Gly755=)

Gene: LPIN2 (lipin 2; minus strand). Cytogenetic location: 18p11.31.
Variant type: single nucleotide variant.
Coding change: c.2265C>T on transcript NM_001375808.2 (MANE Select); coding-DNA position 2265, C replaced by T.
Protein change: p.Gly755=; no amino-acid change (glycine 755 retained).
Molecular consequence: synonymous variant.
Genome position (GRCh38, 1-based): chr18:2,922,109, G>A on the plus strand (C>T on the coding strand, the complement: LPIN2 is on the minus strand). VCF-style: chr18-2922109-G-A. GRCh37 (hg19) VCF-style: chr18-2922107-G-A.
Other names: c.2265C>T, p.Gly755= (NM_001375809.1, NM_014646.2).
Identifiers: ClinVar variation 1367604 (VCV001367604.6), dbSNP rs2144118754, ClinGen allele CA502679925.
Genomic context (GRCh38, chr18:2,922,109, plus strand): 5'-GTGGAAGGCGGAGAACAAGCTGCTGGGGGACAGCATCAGGGGGCCCCGGGGCAAGATTGT[G>A]CCCTTGTCATTGACCCAGTGCAGGTAGCCACGGGTCATGTCGGCCATGCCGATGGCACGA-3'
Protein context (NP_001362737.1, residues 745-765): RGYLHWVNDK[Gly755=]TILPRGPLML

ClinVar aggregate classification (germline): Uncertain significance (1 of 4 stars; one submission).

Conditions:
Majeed syndrome (MJDS). Also called: CHRONIC RECURRENT MULTIFOCAL OSTEOMYELITIS 1, WITH CONGENITAL DYSERYTHROPOIETIC ANEMIA, WITH OR WITHOUT NEUTROPHILIC DERMATOSIS; LPIN2-Related Majeed Syndrome. Identifiers: Orphanet 77297, MedGen C1864997, MONDO:0012316, OMIM 609628.

Allele frequency attached by ClinVar (database versions not stated): gnomAD exomes below 0.00001.
gnomAD v4.1: 1 of 1,614,096 alleles (0.000062%); highest among the groups gnomAD compares: South Asian, 0.0011%; no homozygotes.

Submission:

Labcorp Genetics (formerly Invitae), Labcorp
Classification: Uncertain significance for Majeed syndrome. Last evaluated: 2021-10-27. Review status: criteria provided, single submitter. Criteria: Invitae Variant Classification Sherloc (09022015). Collection method: clinical testing. Allele origin: germline.
Comment: This variant is not present in population databases (gnomAD no frequency). In summary, the available evidence is currently insufficient to determine the role of this variant in disease. Therefore, it has been classified as a Variant of Uncertain Significance. Algorithms developed to predict the effect of sequence changes on RNA splicing suggest that this variant may create or strengthen a splice site. This variant has not been reported in the literature in individuals affected with LPIN2-related conditions. This sequence change affects codon 755 of the LPIN2 mRNA. It is a 'silent' change, meaning that it does not change the encoded amino acid sequence of the LPIN2 protein.